The following is an entry in ClinVar:

NM_001164277.2(SLC37A4):c.148G>A (p.Gly50Arg)

Gene: SLC37A4 (solute carrier family 37 member 4; minus strand). Cytogenetic location: 11q23.3.
Variant type: single nucleotide variant.
Coding change: c.148G>A on transcript NM_001164277.2 (MANE Select); coding-DNA position 148, G replaced by A.
Protein change: p.Gly50Arg; replaces glycine 50 with arginine.
Molecular consequence: missense variant. On other transcripts: intron variant (1).
Genome position (GRCh38, 1-based): chr11:119,029,222, C>T on the plus strand (G>A on the coding strand, the complement: SLC37A4 is on the minus strand). VCF-style: chr11-119029222-C-T. GRCh37 (hg19) VCF-style: chr11-118899932-C-T.
Other names: c.148G>A, p.Gly50Arg (NM_001164278.2, NM_001164280.2, NM_001467.6); c.-172+170G>A (NM_001164279.2); short protein forms G50R.
Identifiers: ClinVar variation 2678969 (VCV002678969.2), dbSNP rs193302894, ClinGen allele CA382907843.

ClinVar aggregate classification (germline): Likely pathogenic. Review status: criteria provided, multiple submitters, no conflicts (2 of 4 stars). 2 submissions from 2 submitters: Likely pathogenic (2). Last evaluated 2023-11-21.

Conditions:
Glucose-6-phosphate transport defect (GSD1B). Also called: Glycogen Storage Disease Type Ib; GSD Ib. Identifiers: Orphanet 364, Orphanet 79259, MedGen C0268146, MONDO:0009288, OMIM 232220.

Allele frequency attached by ClinVar (database versions not stated): gnomAD exomes below 0.00001.

Submissions (2):

Women's Health and Genetics/Laboratory Corporation of America, LabCorp
Classification: Likely pathogenic for Glucose-6-phosphate transport defect. Last evaluated: 2023-11-21. Review status: criteria provided, single submitter. Criteria: LabCorp Variant Classification Summary - May 2015. Collection method: clinical testing. Allele origin: germline.
Comment: Variant summary: SLC37A4 c.148G>A (p.Gly50Arg) results in a non-conservative amino acid change in the encoded protein sequence. Three of three in-silico tools predict a damaging effect of the variant on protein function. As the variant alters a conserved last nucleotide of exon 3 adjacent to the intronic splicing donor site, several computational tools predict a significant impact on normal splicing: Three predict the variant abolishes the canonical 5' splicing donor site. One predicts the variant weakens the canonical 5' splicing donor site. However, these predictions have yet to be confirmed by functional studies. The variant was absent in 152240 control chromosomes (gnomAD v4.0). c.148G>A has been reported in the literature in at-least one individual affected with Glycogen Storage Disease Type Ib (example, Choi_2017) although a different nucleotide change at the same location resulting in the same amino acid change has been reported among the pathogenic spectrum of variants in the SLC37A4 gene. To our knowledge, no variant specific experimental evidence demonstrating an impact on protein function has been reported, however, the c.148G>C variant that results in the same amino acid change (p.Gly50Arg), abolishes the microsomal G6P uptake activity, and compromises G6PT stability (cited in Choi_2017). The following publications have been ascertained in the context of this evaluation (PMID: 30956637, 28224773). No submitters have cited clinical-significance assessments for this variant to ClinVar after 2014. Based on the evidence outlined above, the variant was classified as likely pathogenic.

Baylor Genetics
Classification: Likely pathogenic for Glucose-6-phosphate transport defect. Last evaluated: 2021-11-20. Review status: criteria provided, single submitter. Criteria: ACMG Guidelines, 2015. Collection method: clinical testing. Allele origin: unknown.

Literature cited by the submitters: PubMed 28224773 (cited by Women's Health and Genetics/Laboratory Corporation of America, LabCorp); PubMed 30956637 (cited by Women's Health and Genetics/Laboratory Corporation of America, LabCorp).